The following is an entry in ClinVar:

ClinVar aggregate classification (germline): Uncertain significance. Review status: criteria provided, multiple submitters, no conflicts (2 of 4 stars). 2 submissions from 2 submitters: Uncertain significance (2). Last evaluated 2024-07-30.

Conditions:
Hereditary cancer-predisposing syndrome. Also called: Neoplastic Syndromes, Hereditary; Tumor predisposition; Hereditary Cancer Syndrome; Hereditary neoplastic syndrome. Identifiers: Orphanet 140162, MedGen C0027672, MeSH D009386, MONDO:0015356.
Familial adenomatous polyposis 1 (FAP1). Also called: POLYPOSIS, ADENOMATOUS INTESTINAL; FAMILIAL ADENOMATOUS POLYPOSIS 1, ATTENUATED. Identifiers: MedGen C2713442, MONDO:0021056, OMIM 175100. Disease mechanism: loss of function.

Submissions (2):

Labcorp Genetics (formerly Invitae), Labcorp
Classification: Uncertain significance for Familial adenomatous polyposis 1. Last evaluated: 2024-07-30. Review status: criteria provided, single submitter. Criteria: Invitae Variant Classification Sherloc (09022015). Collection method: clinical testing. Allele origin: germline.
Comment: This sequence change replaces methionine, which is neutral and non-polar, with valine, which is neutral and non-polar, at codon 573 of the APC protein (p.Met573Val). This variant is not present in population databases (gnomAD no frequency). This variant has not been reported in the literature in individuals affected with APC-related conditions. ClinVar contains an entry for this variant (Variation ID: 1713282). Advanced modeling of protein sequence and biophysical properties (such as structural, functional, and spatial information, amino acid conservation, physicochemical variation, residue mobility, and thermodynamic stability) performed at Invitae indicates that this missense variant is not expected to disrupt APC protein function with a negative predictive value of 95%. In summary, the available evidence is currently insufficient to determine the role of this variant in disease. Therefore, it has been classified as a Variant of Uncertain Significance.

Ambry Genetics
Classification: Uncertain significance for Hereditary cancer-predisposing syndrome. Last evaluated: 2022-02-27. Review status: criteria provided, single submitter. Criteria: Ambry Variant Classification Scheme 2023. Collection method: clinical testing. Allele origin: germline.
Comment: The p.M573V variant (also known as c.1717A>G), located in coding exon 13 of the APC gene, results from an A to G substitution at nucleotide position 1717. The methionine at codon 573 is replaced by valine, an amino acid with highly similar properties. This amino acid position is conserved. In addition, in silico predictors for this gene do not accurately predict pathogenicity. Since supporting evidence is limited at this time, the clinical significance of this alteration remains unclear.

NM_000038.6(APC):c.1717A>G (p.Met573Val)

Gene: APC (APC regulator of Wnt signaling pathway; plus strand). Cytogenetic location: 5q22.2.
Variant type: single nucleotide variant.
Coding change: c.1717A>G on transcript NM_000038.6 (MANE Select); coding-DNA position 1717, A replaced by G.
Protein change: p.Met573Val; replaces methionine 573 with valine.
Molecular consequence: missense variant.
Genome position (GRCh38, 1-based): chr5:112,828,946, A>G. VCF-style: chr5-112828946-A-G. GRCh37 (hg19) VCF-style: chr5-112164643-A-G.
Other names: c.1717A>G, p.Met573Val (NM_001127510.3, NM_001354895.2, NM_001407450.1); c.1663A>G, p.Met555Val (NM_001127511.3); c.1771A>G, p.Met591Val (NM_001354896.2, NM_001407447.1, NM_001407448.1 and 1 more transcripts); c.1747A>G, p.Met583Val (NM_001354897.2); c.1642A>G, p.Met548Val (NM_001354898.2); c.1633A>G, p.Met545Val (NM_001354899.2); c.1594A>G, p.Met532Val (NM_001354900.2); c.1540A>G, p.Met514Val (NM_001354901.2, NM_001407453.1); and 11 more; short protein forms M189V, M290V, M413V, M444V, M447V, M472V, M482V, M490V.
Identifiers: ClinVar variation 1713282 (VCV001713282.8), dbSNP rs2149818145, ClinGen allele CA16025059.